The following is an entry in ClinVar:

NM_001613.4(ACTA2):c.124C>T (p.His42Tyr)

Gene: ACTA2 (actin alpha 2, smooth muscle; minus strand). Cytogenetic location: 10q23.31.
Variant type: single nucleotide variant.
Coding change: c.124C>T on transcript NM_001613.4 (MANE Select); coding-DNA position 124, C replaced by T.
Protein change: p.His42Tyr; replaces histidine 42 with tyrosine.
Molecular consequence: missense variant.
Genome position (GRCh38, 1-based): chr10:88,948,807, G>A on the plus strand (C>T on the coding strand, the complement: ACTA2 is on the minus strand). VCF-style: chr10-88948807-G-A. GRCh37 (hg19) VCF-style: chr10-90708564-G-A.
Other names: c.124C>T, p.His42Tyr (NM_001406469.1, NM_001406471.1, NM_001141945.3 and 7 more transcripts); short protein forms H42Y.
Identifiers: ClinVar variation 3021067 (VCV003021067.3), dbSNP rs2494577872, ClinGen allele CA377513592.

ClinVar aggregate classification (germline): Uncertain significance (1 of 4 stars; one submission).

Conditions:
Aortic aneurysm, familial thoracic 6 (AAT6). Also called: FAMILIAL THORACIC AORTIC ANEURYSM WITH LIVEDO RETICULARIS AND IRIS FLOCCULI. Identifiers: MedGen C2673186, MONDO:0012730, OMIM 611788.

Allele frequency attached by ClinVar (database versions not stated): gnomAD exomes below 0.00001.
gnomAD v4.1: 1 of 1,613,914 alleles (0.000062%); highest among the groups gnomAD compares: Non-Finnish European, 0.000085%; no homozygotes.

Submission:

Labcorp Genetics (formerly Invitae), Labcorp
Classification: Uncertain significance for Aortic aneurysm, familial thoracic 6. Last evaluated: 2023-10-10. Review status: criteria provided, single submitter. Criteria: Invitae Variant Classification Sherloc (09022015). Collection method: clinical testing. Allele origin: germline.
Comment: This sequence change replaces histidine, which is basic and polar, with tyrosine, which is neutral and polar, at codon 42 of the ACTA2 protein (p.His42Tyr). This variant is not present in population databases (gnomAD no frequency). This missense change has been observed in individual(s) with thoracic aortic aneurysm and dissection (Invitae). Advanced modeling of protein sequence and biophysical properties (such as structural, functional, and spatial information, amino acid conservation, physicochemical variation, residue mobility, and thermodynamic stability) performed at Invitae indicates that this missense variant is not expected to disrupt ACTA2 protein function. This variant disrupts the p.His42 amino acid residue in ACTA2. Other variant(s) that disrupt this residue have been observed in individuals with ACTA2-related conditions (PMID: 21937134; Invitae), which suggests that this may be a clinically significant amino acid residue. In summary, the available evidence is currently insufficient to determine the role of this variant in disease. Therefore, it has been classified as a Variant of Uncertain Significance.

Literature cited by the submitters: PubMed 21937134.